The following is an entry in ClinVar:

ClinVar aggregate classification (germline): Uncertain significance (1 of 4 stars; one submission).

Allele frequency attached by ClinVar (database versions not stated): gnomAD exomes below 0.00001; ExAC 0.00001; gnomAD 0.00001.
gnomAD v4.1: 5 of 1,613,816 alleles (0.00031%); highest among the groups gnomAD compares: Admixed American, 0.0017%; no homozygotes.

Submission:

Labcorp Genetics (formerly Invitae), Labcorp
Classification: Uncertain significance. Last evaluated: 2022-06-05. Review status: criteria provided, single submitter. Criteria: Invitae Variant Classification Sherloc (09022015). Collection method: clinical testing. Allele origin: germline.
Comment: In summary, the available evidence is currently insufficient to determine the role of this variant in disease. Therefore, it has been classified as a Variant of Uncertain Significance. Algorithms developed to predict the effect of missense changes on protein structure and function are either unavailable or do not agree on the potential impact of this missense change (SIFT: "Not Available"; PolyPhen-2: "Probably Damaging"; Align-GVGD: "Not Available"). ClinVar contains an entry for this variant (Variation ID: 1525017). This variant has not been reported in the literature in individuals affected with ADAMTS18-related conditions. This variant is present in population databases (rs764872318, gnomAD 0.0009%). This sequence change replaces valine, which is neutral and non-polar, with isoleucine, which is neutral and non-polar, at codon 1198 of the ADAMTS18 protein (p.Val1198Ile).

NM_199355.4(ADAMTS18):c.3592G>A (p.Val1198Ile)

Gene: ADAMTS18 (ADAM metallopeptidase with thrombospondin type 1 motif 18; minus strand). Cytogenetic location: 16q23.1.
Variant type: single nucleotide variant.
Coding change: c.3592G>A on transcript NM_199355.4 (MANE Select); coding-DNA position 3592, G replaced by A.
Protein change: p.Val1198Ile; replaces valine 1198 with isoleucine.
Molecular consequence: missense variant.
Genome position (GRCh38, 1-based): chr16:77,284,030, C>T on the plus strand (G>A on the coding strand, the complement: ADAMTS18 is on the minus strand). VCF-style: chr16-77284030-C-T. GRCh37 (hg19) VCF-style: chr16-77317927-C-T.
Other names: c.3076G>A, p.Val1026Ile (NM_001326358.2); short protein forms V1198I, V1026I.
Identifiers: ClinVar variation 1525017 (VCV001525017.6), dbSNP rs764872318, ClinGen allele CA8180337.